The following is an entry in ClinVar:

ClinVar aggregate classification (germline): Uncertain significance. Review status: criteria provided, multiple submitters, no conflicts (2 of 4 stars). 2 submissions from 2 submitters: Uncertain significance (2). Last evaluated 2024-08-14.

Conditions:
Inborn genetic diseases. Identifiers: MedGen C0950123, MeSH D030342.

Allele frequency attached by ClinVar (database versions not stated): TOPMed 0.00001; gnomAD 0.00002.
gnomAD v4.1: 4 of 1,613,438 alleles (0.00025%); highest among the groups gnomAD compares: Admixed American, 0.0033%; no homozygotes.

Submissions (2):

Ambry Genetics
Classification: Uncertain significance for Inborn genetic diseases. Last evaluated: 2024-08-14. Review status: criteria provided, single submitter. Criteria: Ambry Variant Classification Scheme 2023. Collection method: clinical testing. Allele origin: germline.

Labcorp Genetics (formerly Invitae), Labcorp
Classification: Uncertain significance. Last evaluated: 2024-01-15. Review status: criteria provided, single submitter. Criteria: Invitae Variant Classification Sherloc (09022015). Collection method: clinical testing. Allele origin: germline.
Comment: This sequence change replaces tryptophan, which is neutral and slightly polar, with leucine, which is neutral and non-polar, at codon 1688 of the USH2A protein (p.Trp1688Leu). This variant is present in population databases (no rsID available, gnomAD 0.003%). This variant has not been reported in the literature in individuals affected with USH2A-related conditions. ClinVar contains an entry for this variant (Variation ID: 1439042). Advanced modeling of protein sequence and biophysical properties (such as structural, functional, and spatial information, amino acid conservation, physicochemical variation, residue mobility, and thermodynamic stability) has been performed at Invitae for this missense variant, however the output from this modeling did not meet the statistical confidence thresholds required to predict the impact of this variant on USH2A protein function. In summary, the available evidence is currently insufficient to determine the role of this variant in disease. Therefore, it has been classified as a Variant of Uncertain Significance.

NM_206933.4(USH2A):c.5063G>T (p.Trp1688Leu)

Genes: USH2A (usherin; minus strand), USH2A-AS2 (USH2A antisense RNA 2; plus strand). Cytogenetic location: 1q41.
Variant type: single nucleotide variant.
Coding change: c.5063G>T on transcript NM_206933.4 (MANE Select); coding-DNA position 5063, G replaced by T.
Protein change: p.Trp1688Leu; replaces tryptophan 1688 with leucine.
Molecular consequence: missense variant.
Genome position (GRCh38, 1-based): chr1:216,084,802, C>A on the plus strand (G>T on the coding strand, the complement: USH2A is on the minus strand). VCF-style: chr1-216084802-C-A. GRCh37 (hg19) VCF-style: chr1-216258144-C-A.
Other names: c.5063G>T (NM_206933.2); short protein forms W1688L.
Identifiers: ClinVar variation 1439042 (VCV001439042.10), dbSNP rs1223810066, ClinGen allele CA344859140.